The following is an entry in ClinVar:

NM_177965.4(CFAP418):c.243+1G>A

Gene: CFAP418 (cilia and flagella associated protein 418; minus strand). Cytogenetic location: 8q22.1.
Variant type: single nucleotide variant.
Coding change: c.243+1G>A on transcript NM_177965.4 (MANE Select); the canonical splice donor site of the intron after coding-DNA position 243, G replaced by A.
Molecular consequence: splice donor variant.
Genome position (GRCh38, 1-based): chr8:95,263,686, C>T on the plus strand (G>A on the coding strand, the complement: CFAP418 is on the minus strand). VCF-style: chr8-95263686-C-T. GRCh37 (hg19) VCF-style: chr8-96275914-C-T.
Other names: c.243+1G>A (NM_001363260.1).
Identifiers: ClinVar variation 4855027 (VCV004855027.1).

ClinVar aggregate classification (germline): Likely pathogenic (1 of 4 stars; one submission).

Conditions:
Cone-rod dystrophy 16 (CORD16). Identifiers: MedGen C3281045, MONDO:0013786, OMIM 614500.

Submission:

3billion
Classification: Likely pathogenic for Cone-rod dystrophy 16. Last evaluated: 2025-08-08. Review status: criteria provided, single submitter. Criteria: ACMG Guidelines, 2015. Collection method: clinical testing. Allele origin: germline. Affected: yes.
Comment: The variant is not observed in the gnomAD v4.1.0 dataset. Predicted Consequence/Location: Canonical splice site: predicted to alter splicing and result in a loss or disruption of normal protein function. Multiple pathogenic loss-of-function variants are reported downstream of the variant. In silico tools predict the variant to alter splicing and produce an abnormal transcript [SpliceAI: 1.00 (spliceogenicity >=0.2, non-spliceogenicity <0.1)]. Therefore, this variant is classified as Likely pathogenic according to the recommendation of ACMG/AMP guideline.